The following is an entry in ClinVar:

ClinVar aggregate classification (germline): Uncertain significance (1 of 4 stars; one submission).

Conditions:
Jeune thoracic dystrophy. Also called: Short-rib thoracic dysplasia; Jeune syndrome; Infantile thoracic dystrophy; Thoracic pelvic phalangeal dystrophy; Jeune's syndrome; Chondroectodermal dysplasia-like syndrome. Identifiers: Orphanet 474, MedGen C0265275, MONDO:0018770.

Allele frequency attached by ClinVar (database versions not stated): gnomAD exomes 0.00001.
gnomAD v4.1: 5 of 1,612,694 alleles (0.00031%); highest among the groups gnomAD compares: Non-Finnish European, 0.00042%; no homozygotes.

Submission:

Labcorp Genetics (formerly Invitae), Labcorp
Classification: Uncertain significance for Jeune thoracic dystrophy. Last evaluated: 2015-08-26. Review status: criteria provided, single submitter. Criteria: Invitae Variant Classification Sherloc (09022015). Collection method: clinical testing. Allele origin: germline.
Comment: This sequence change replaces isoleucine with leucine at codon 585 of the IFT80 protein (p.Ile585Leu). The isoleucine residue is moderately conserved and there is a small physicochemical difference between isoleucine and leucine. This variant is not present in population databases and has not been published in the literature. Algorithms developed to predict the effect of missense changes on protein structure and function do not agree on the potential impact of this missense change (SIFT: "deleterious"; PolyPhen-2: "Benign"; Align-GVGD: "Class C0"). In summary, this is a novel missense change with uncertain impact on protein function. It has been classified as a Variant of Uncertain Significance.

NM_020800.3(IFT80):c.1753A>T (p.Ile585Leu)

Genes: IFT80 (intraflagellar transport 80; minus strand), TRIM59-IFT80 (TRIM59-IFT80 readthrough (NMD candidate); minus strand). Cytogenetic location: 3q25.33.
Variant type: single nucleotide variant.
Coding change: c.1753A>T on transcript NM_020800.3 (MANE Select); coding-DNA position 1753, A replaced by T.
Protein change: p.Ile585Leu; replaces isoleucine 585 with leucine.
Molecular consequence: missense variant. On other transcripts: non-coding transcript variant (3).
Genome position (GRCh38, 1-based): chr3:160,279,276, T>A on the plus strand (A>T on the coding strand, the complement: IFT80 is on the minus strand). VCF-style: chr3-160279276-T-A. GRCh37 (hg19) VCF-style: chr3-159997064-T-A.
Other names: c.1342A>T, p.Ile448Leu (NM_001190241.2, NM_001190242.2); short protein forms I585L, I448L.
Identifiers: ClinVar variation 220002 (VCV000220002.6), dbSNP rs864622337, ClinGen allele CA349280.